The following is an entry in ClinVar:

NM_000551.4(VHL):c.97T>A (p.Ser33Thr)

Gene: VHL (von Hippel-Lindau tumor suppressor; plus strand). Cytogenetic location: 3p25.3.
Variant type: single nucleotide variant.
Coding change: c.97T>A on transcript NM_000551.4 (MANE Select); coding-DNA position 97, T replaced by A.
Protein change: p.Ser33Thr; replaces serine 33 with threonine.
Molecular consequence: missense variant.
Genome position (GRCh38, 1-based): chr3:10,141,944, T>A. VCF-style: chr3-10141944-T-A. GRCh37 (hg19) VCF-style: chr3-10183628-T-A.
Other names: c.97T>A (NM_000551.3); c.97T>A, p.Ser33Thr (NM_001354723.2, NM_198156.3); short protein forms S33T.
Identifiers: ClinVar variation 1000024 (VCV001000024.12), dbSNP rs868726923, ClinGen allele CA351747637.

ClinVar aggregate classification (germline): Uncertain significance. Review status: criteria provided, multiple submitters, no conflicts (2 of 4 stars). 4 submissions from 4 submitters: Uncertain significance (4). Last evaluated 2026-01-28.

Conditions:
Von Hippel-Lindau syndrome (VHLS). Also called: VHL syndrome; Von Hippel-Lindau; von Hippel–Lindau syndrome. Identifiers: Orphanet 892, MedGen C0019562, MONDO:0008667, OMIM 193300. Disease mechanism: loss of function.
Chuvash polycythemia. Also called: POLYCYTHEMIA, VHL-DEPENDENT. Identifiers: Orphanet 238557, MedGen C1837915, MONDO:0009892, OMIM 263400.
Hereditary cancer-predisposing syndrome. Also called: Neoplastic Syndromes, Hereditary; Hereditary neoplastic syndrome; Hereditary Cancer Syndrome; Tumor predisposition. Identifiers: Orphanet 140162, MedGen C0027672, MeSH D009386, MONDO:0015356.

Submissions (4):

Labcorp Genetics (formerly Invitae), Labcorp
Classification: Uncertain significance for Von Hippel-Lindau syndrome; Chuvash polycythemia. Last evaluated: 2026-01-28. Review status: criteria provided, single submitter. Criteria: Invitae Variant Classification Sherloc (09022015). Collection method: clinical testing. Allele origin: germline.
Comment: This sequence change replaces serine, which is neutral and polar, with threonine, which is neutral and polar, at codon 33 of the VHL protein (p.Ser33Thr). This variant is not present in population databases (gnomAD no frequency). This variant has not been reported in the literature in individuals affected with VHL-related conditions. ClinVar contains an entry for this variant (Variation ID: 1000024). Invitae Evidence Modeling of protein sequence and biophysical properties (such as structural, functional, and spatial information, amino acid conservation, physicochemical variation, residue mobility, and thermodynamic stability) indicates that this missense variant is not expected to disrupt VHL protein function with a negative predictive value of 95%. In summary, the available evidence is currently insufficient to determine the role of this variant in disease. Therefore, it has been classified as a Variant of Uncertain Significance.

GeneDx
Classification: Uncertain significance. Last evaluated: 2024-07-01. Review status: criteria provided, single submitter. Criteria: GeneDx Variant Classification Process June 2021. Collection method: clinical testing. Allele origin: germline. Affected: yes.
Comment: Not observed at significant frequency in large population cohorts (gnomAD); In silico analysis indicates that this missense variant does not alter protein structure/function; Has not been previously published as pathogenic or benign to our knowledge

All of Us Research Program, National Institutes of Health
Classification: Uncertain significance for Von Hippel-Lindau syndrome. Last evaluated: 2024-01-03. Review status: criteria provided, single submitter. Criteria: ACMG Guidelines, 2015. Collection method: clinical testing. Allele origin: germline. Inheritance: Autosomal dominant inheritance. Observed: 1 variant allele, 1 heterozygote.
Comment: This missense variant replaces serine with threonine at codon 33 of the VHL protein. Computational prediction suggests that this variant may not impact protein structure and function (internally defined REVEL score threshold <= 0.5, PMID: 27666373). To our knowledge, functional studies have not been reported for this variant. This variant has not been reported in individuals affected with VHL-related disorders in the literature. This variant has not been identified in the general population by the Genome Aggregation Database (gnomAD). The available evidence is insufficient to determine the role of this variant in disease conclusively. Therefore, this variant is classified as a Variant of Uncertain Significance.

This study involves interpretation of variants in research participants for the purpose of population health screening. Participant phenotype was not available at the time of variant classification. Additional details can be found in publication PMID: 35346344, PMCID: PMC8962531

Ambry Genetics
Classification: Uncertain significance for Hereditary cancer-predisposing syndrome. Last evaluated: 2023-10-30. Review status: criteria provided, single submitter. Criteria: Ambry Variant Classification Scheme 2023. Collection method: clinical testing. Allele origin: germline.
Comment: The p.S33T variant (also known as c.97T>A), located in coding exon 1 of the VHL gene, results from a T to A substitution at nucleotide position 97. The serine at codon 33 is replaced by threonine, an amino acid with similar properties. This amino acid position is not well conserved in available vertebrate species. In addition, this alteration is predicted to be tolerated by in silico analysis. Since supporting evidence is limited at this time, the clinical significance of this alteration remains unclear.